The following is an entry in ClinVar:

ClinVar aggregate classification (germline): Uncertain significance. Review status: criteria provided, multiple submitters, no conflicts (2 of 4 stars). 2 submissions from 2 submitters: Uncertain significance (2). Last evaluated 2024-06-17.

Conditions:
Inborn genetic diseases. Identifiers: MedGen C0950123, MeSH D030342.

gnomAD v4.1: 35 of 1,613,868 alleles (0.0022%); highest among the groups gnomAD compares: Admixed American, 0.0083%; no homozygotes.

Submissions (2):

Ambry Genetics
Classification: Uncertain significance for Inborn genetic diseases. Last evaluated: 2024-06-17. Review status: criteria provided, single submitter. Criteria: Ambry Variant Classification Scheme 2023. Collection method: clinical testing. Allele origin: germline.

Labcorp Genetics (formerly Invitae), Labcorp
Classification: Uncertain significance. Last evaluated: 2024-06-02. Review status: criteria provided, single submitter. Criteria: Invitae Variant Classification Sherloc (09022015). Collection method: clinical testing. Allele origin: germline.
Comment: This sequence change replaces threonine, which is neutral and polar, with isoleucine, which is neutral and non-polar, at codon 227 of the TECTA protein (p.Thr227Ile). This variant is present in population databases (rs138438027, gnomAD 0.009%). This variant has not been reported in the literature in individuals affected with TECTA-related conditions. Advanced modeling of protein sequence and biophysical properties (such as structural, functional, and spatial information, amino acid conservation, physicochemical variation, residue mobility, and thermodynamic stability) performed at Invitae indicates that this missense variant is not expected to disrupt TECTA protein function with a negative predictive value of 95%. In summary, the available evidence is currently insufficient to determine the role of this variant in disease. Therefore, it has been classified as a Variant of Uncertain Significance.

NM_005422.4(TECTA):c.680C>T (p.Thr227Ile)

Genes: TBCEL-TECTA (TBCEL-TECTA readthrough; plus strand), TECTA (tectorin alpha; plus strand). Cytogenetic location: 11q23.3.
Variant type: single nucleotide variant.
Coding change: c.680C>T on transcript NM_005422.4 (MANE Select); coding-DNA position 680, C replaced by T.
Protein change: p.Thr227Ile; replaces threonine 227 with isoleucine.
Molecular consequence: missense variant.
Genome position (GRCh38, 1-based): chr11:121,113,608, C>T. VCF-style: chr11-121113608-C-T. GRCh37 (hg19) VCF-style: chr11-120984317-C-T.
Other names: c.1637C>T, p.Thr546Ile (NM_001378761.1); short protein forms T546I, T227I.
Identifiers: ClinVar variation 3325225 (VCV003325225.3).